The following is an entry in ClinVar:

ClinVar aggregate classification (germline): Likely pathogenic. Review status: criteria provided, multiple submitters, no conflicts (2 of 4 stars). 4 submissions from 4 submitters: Likely pathogenic (4). Last evaluated 2024-03-12.

Conditions:
COL4A5-related disorders.
COL4A5-related disorder. Also called: COL4A5-related condition.
X-linked Alport syndrome (ATS1). Also called: COL4A5-Related Nephropathy; NEPHROPATHY AND DEAFNESS, X-LINKED. Identifiers: Orphanet 63, Orphanet 88917, MedGen C4746986, MONDO:0010520, OMIM 301050.

gnomAD v4.1: 2 of 1,209,376 alleles (0.00017%); highest among the groups gnomAD compares: Non-Finnish European, 0.00022%; no homozygotes.

Submissions (4):

Labcorp Genetics (formerly Invitae), Labcorp
Classification: Likely pathogenic. Last evaluated: 2024-03-12. Review status: criteria provided, single submitter. Criteria: Invitae Variant Classification Sherloc (09022015). Collection method: clinical testing. Allele origin: germline.
Comment: This sequence change replaces glycine, which is neutral and non-polar, with glutamic acid, which is acidic and polar, at codon 273 of the COL4A5 protein (p.Gly273Glu). This variant is not present in population databases (gnomAD no frequency). This missense change has been observed in individual(s) with clinical features of COL4A5-related conditions (Invitae). ClinVar contains an entry for this variant (Variation ID: 1066754). Advanced modeling of protein sequence and biophysical properties (such as structural, functional, and spatial information, amino acid conservation, physicochemical variation, residue mobility, and thermodynamic stability) performed at Invitae indicates that this missense variant is expected to disrupt COL4A5 protein function with a positive predictive value of 95%. This variant disrupts the triple helix domain of COL4A5. Glycine residues within the Gly-Xaa-Yaa repeats of the triple helix domain are required for the structure and stability of fibrillar collagens (PMID: 7695699, 8218237, 19344236). In COL4A5, missense variants at these glycine residues are significantly enriched in individuals with disease (PMID: 23720012, 27627812) compared to the general population (ExAC). In summary, the currently available evidence indicates that the variant is pathogenic, but additional data are needed to prove that conclusively. Therefore, this variant has been classified as Likely Pathogenic.

PreventionGenetics, part of Exact Sciences
Classification: Likely pathogenic for COL4A5-related condition. Last evaluated: 2023-06-13. Review status: criteria provided, single submitter. Criteria: ACMG Guidelines, 2015. Collection method: clinical testing. Allele origin: germline.
Comment: The COL4A5 c.818G>A variant is predicted to result in the amino acid substitution p.Gly273Glu. To our knowledge, this variant has not been reported in the literature. The p.Gly273 residue resides in the triple-helical region (residues 42 – 1456) of the COL4A5 protein. The majority of pathogenic variants in COL4A5 substitute a glycine residue to a bulkier amino acid in the triple-helical domain (Hudson et al. 1993. PubMed ID: 8253711). A different amino acid substitution at this position (p.Gly273Arg) has been reported in a study of individuals with COL4A5-related disorders (Endreffy et al. 2011. PubMed ID: 20951199). This variant has not been reported in a large population database, indicating this variant is rare. This variant is interpreted as likely pathogenic.

Fulgent Genetics
Classification: Likely pathogenic for X-linked Alport syndrome. Last evaluated: 2021-09-10. Review status: criteria provided, single submitter. Criteria: ACMG Guidelines, 2015. Collection method: clinical testing. Allele origin: unknown.

Blueprint Genetics
Classification: Likely pathogenic for COL4A5-related disorders. Last evaluated: 2019-07-23. Review status: criteria provided, single submitter. Criteria: ACMG Guidelines, 2015. Collection method: clinical testing. Allele origin: germline. Affected: yes. Observed: 1 variant allele.

Literature cited by the submitters: PubMed 7695699 (cited by Labcorp Genetics (formerly Invitae), Labcorp); PubMed 8218237 (cited by Labcorp Genetics (formerly Invitae), Labcorp); PubMed 19344236 (cited by Labcorp Genetics (formerly Invitae), Labcorp); PubMed 23720012 (cited by Labcorp Genetics (formerly Invitae), Labcorp); PubMed 27627812 (cited by Labcorp Genetics (formerly Invitae), Labcorp).

NM_033380.3(COL4A5):c.818G>A (p.Gly273Glu)

Gene: COL4A5 (collagen type IV alpha 5 chain; plus strand). Cytogenetic location: Xq22.3.
Variant type: single nucleotide variant.
Coding change: c.818G>A on transcript NM_033380.3 (MANE Select); coding-DNA position 818, G replaced by A.
Protein change: p.Gly273Glu; replaces glycine 273 with glutamic acid.
Molecular consequence: missense variant.
Genome position (GRCh38, 1-based): chrX:108,580,570, G>A. VCF-style: chrX-108580570-G-A. GRCh37 (hg19) VCF-style: chrX-107823800-G-A.
Other names: c.818G>A, p.Gly273Glu (NM_000495.5); c.818G>A (NM_000495.4); short protein forms G273E.
Identifiers: ClinVar variation 1066754 (VCV001066754.14), dbSNP rs2147776175, ClinGen allele CA413925819.